The following is an entry in ClinVar:

ClinVar aggregate classification (germline): Uncertain significance (1 of 4 stars; one submission).

Conditions:
Bethlem myopathy 1A. Also called: Bethlem myopathy 1; MYOPATHY, BENIGN CONGENITAL, WITH CONTRACTURES; Bethlem Muscular Dystrophy. Identifiers: Orphanet 610, MedGen CN029274, MONDO:0024530, OMIM 158810.

gnomAD v4.1: 9 of 1,566,186 alleles (0.00057%); highest among the groups gnomAD compares: Non-Finnish European, 0.00078%; no homozygotes.

Submission:

Labcorp Genetics (formerly Invitae), Labcorp
Classification: Uncertain significance for Bethlem myopathy 1A. Last evaluated: 2024-08-21. Review status: criteria provided, single submitter. Criteria: Invitae Variant Classification Sherloc (09022015). Collection method: clinical testing. Allele origin: germline.
Comment: This sequence change replaces isoleucine, which is neutral and non-polar, with methionine, which is neutral and non-polar, at codon 154 of the COL6A1 protein (p.Ile154Met). This variant is not present in population databases (gnomAD no frequency). This variant has not been reported in the literature in individuals affected with COL6A1-related conditions. Invitae Evidence Modeling of protein sequence and biophysical properties (such as structural, functional, and spatial information, amino acid conservation, physicochemical variation, residue mobility, and thermodynamic stability) indicates that this missense variant is not expected to disrupt COL6A1 protein function with a negative predictive value of 95%. In summary, the available evidence is currently insufficient to determine the role of this variant in disease. Therefore, it has been classified as a Variant of Uncertain Significance.

NM_001848.3(COL6A1):c.462T>G (p.Ile154Met)

Gene: COL6A1 (collagen type VI alpha 1 chain; plus strand). Cytogenetic location: 21q22.3.
Variant type: single nucleotide variant.
Coding change: c.462T>G on transcript NM_001848.3 (MANE Select); coding-DNA position 462, T replaced by G.
Protein change: p.Ile154Met; replaces isoleucine 154 with methionine.
Molecular consequence: missense variant.
Genome position (GRCh38, 1-based): chr21:45,986,559, T>G. VCF-style: chr21-45986559-T-G. GRCh37 (hg19) VCF-style: chr21-47406473-T-G.
Other names: short protein forms I154M.
Identifiers: ClinVar variation 3663101 (VCV003663101.2).
Genomic context (GRCh38, chr21:45,986,559, plus strand): 5'-GGTCTCACGCTGCCCTCTCCTGTCCAGGGGCTCCCACCTGAAGGAGAATAAGTACCTGAT[T>G]GTGGTGACCGACGGGCACCCCCTGGAGGGCTACAAGGAACCCTGTGGGGGGCTGGAGGAT-3'
Protein context (NP_001839.2, residues 144-164): GSHLKENKYL[Ile154Met]VVTDGHPLEG